The following is an entry in ClinVar:

NM_000179.3(MSH6):c.2043C>G (p.Leu681=)

Gene: MSH6 (mutS homolog 6; plus strand). Cytogenetic location: 2p16.3.
Variant type: single nucleotide variant.
Coding change: c.2043C>G on transcript NM_000179.3 (MANE Select); coding-DNA position 2043, C replaced by G.
Protein change: p.Leu681=; no amino-acid change (leucine 681 retained).
Molecular consequence: synonymous variant.
Genome position (GRCh38, 1-based): chr2:47,800,026, C>G. VCF-style: chr2-47800026-C-G. GRCh37 (hg19) VCF-style: chr2-48027165-C-G.
Other names: c.1653C>G, p.Leu551= (NM_001281492.2); c.1137C>G, p.Leu379= (NM_001281493.2, NM_001281494.2).
Identifiers: ClinVar variation 927093 (VCV000927093.18), dbSNP rs770323844, ClinGen allele CA426121350.

ClinVar aggregate classification (germline): Benign/Likely benign. Review status: criteria provided, multiple submitters, no conflicts (2 of 4 stars). 6 submissions from 6 submitters: Benign (1); Likely benign (5). Last evaluated 2025-09-03.

Conditions:
Hereditary cancer-predisposing syndrome. Also called: Neoplastic Syndromes, Hereditary; Tumor predisposition; Hereditary Cancer Syndrome; Hereditary neoplastic syndrome. Identifiers: Orphanet 140162, MedGen C0027672, MeSH D009386, MONDO:0015356.
Hereditary nonpolyposis colorectal neoplasms. Identifiers: MedGen C0009405, MeSH D003123.
Lynch syndrome. Identifiers: Orphanet 144, MedGen C4552100, MONDO:0005835. Disease mechanism: loss of function.
Lynch syndrome 5 (LYNCH5). Also called: Colorectal cancer, hereditary nonpolyposis, type 5; Hereditary non-polyposis colorectal cancer, type 5. Identifiers: Orphanet 144, MedGen C1833477, MONDO:0013710, OMIM 614350. Disease mechanism: loss of function.

gnomAD v4.1: 3 of 1,614,080 alleles (0.00019%); highest among the groups gnomAD compares: African/African-American, 0.0013%; no homozygotes.

Submissions (6):

Labcorp Genetics (formerly Invitae), Labcorp
Classification: Likely benign for Hereditary nonpolyposis colorectal neoplasms. Last evaluated: 2025-09-03. Review status: criteria provided, single submitter. Criteria: Invitae Variant Classification Sherloc (09022015). Collection method: clinical testing. Allele origin: germline.

Myriad Genetics, Inc.
Classification: Benign for Lynch syndrome 5. Last evaluated: 2024-12-30. Review status: criteria provided, single submitter. Criteria: Myriad Autosomal Dominant, Autosomal Recessive and X-Linked Classification Criteria (2023). Collection method: clinical testing. Allele origin: unknown.
Comment: This variant is considered benign. This variant is a silent/synonymous amino acid change and it is not expected to impact splicing.

All of Us Research Program, National Institutes of Health
Classification: Likely benign for Lynch syndrome. Last evaluated: 2024-01-11. Review status: criteria provided, single submitter. Criteria: ACMG Guidelines, 2015. Collection method: clinical testing. Allele origin: germline. Inheritance: Autosomal dominant inheritance. Observed: 1 variant allele, 1 heterozygote.
Comment: This study involves interpretation of variants in research participants for the purpose of population health screening. Participant phenotype was not available at the time of variant classification. Additional details can be found in publication PMID: 35346344, PMCID: PMC8962531

Ambry Genetics
Classification: Likely benign for Hereditary cancer-predisposing syndrome. Last evaluated: 2020-10-07. Review status: criteria provided, single submitter. Criteria: Ambry Variant Classification Scheme 2023. Collection method: clinical testing. Allele origin: germline.

Color Diagnostics, LLC DBA Color Health
Classification: Likely benign for Hereditary cancer-predisposing syndrome. Last evaluated: 2020-01-02. Review status: criteria provided, single submitter. Criteria: ACMG Guidelines, 2015. Collection method: clinical testing. Allele origin: germline.

GeneDx
Classification: Likely benign. Last evaluated: 2019-04-01. Review status: criteria provided, single submitter. Criteria: GeneDx Variant Classification Process June 2021. Collection method: clinical testing. Allele origin: germline. Affected: yes.